The following is an entry in ClinVar:

ClinVar aggregate classification (germline): Uncertain significance (1 of 4 stars; one submission).

gnomAD v4.1: 80 of 1,610,550 alleles (0.005%); highest among the groups gnomAD compares: East Asian, 0.08%; no homozygotes.

Submission:

CeGaT Center for Human Genetics Tuebingen
Classification: Uncertain significance. Last evaluated: 2026-04-01. Review status: criteria provided, single submitter. Criteria: CeGaT Center For Human Genetics Tuebingen Variant Classification Criteria Version 2. Collection method: clinical testing. Allele origin: germline. Affected: yes. Observed: 1 variant allele.
Comment: PLD1: PM2

NM_002662.5(PLD1):c.823G>A (p.Val275Ile)

Gene: PLD1 (phospholipase D1; minus strand). Cytogenetic location: 3q26.31.
Variant type: single nucleotide variant.
Coding change: c.823G>A on transcript NM_002662.5 (MANE Select); coding-DNA position 823, G replaced by A.
Protein change: p.Val275Ile; replaces valine 275 with isoleucine.
Molecular consequence: missense variant.
Genome position (GRCh38, 1-based): chr3:171,713,981, C>T on the plus strand (G>A on the coding strand, the complement: PLD1 is on the minus strand). VCF-style: chr3-171713981-C-T. GRCh37 (hg19) VCF-style: chr3-171431771-C-T.
Other names: c.823G>A, p.Val275Ile (NM_001130081.3); short protein forms V275I.
Identifiers: ClinVar variation 4872493 (VCV004872493.2).